The following is an entry in ClinVar:

ClinVar aggregate classification (germline): Likely pathogenic. Review status: criteria provided, multiple submitters, no conflicts (2 of 4 stars). 3 submissions from 3 submitters: Likely pathogenic (3). Last evaluated 2024-02-29.

Conditions:
Niemann-Pick disease, type B. Also called: Chronic Visceral ASMD (Niemann-Pick Disease Type B; NPD-B). Identifiers: Orphanet 77293, MedGen C0268243, MONDO:0011871, OMIM 607616. Disease mechanism: loss of function.
Niemann-Pick disease, type A. Also called: Infantile Neurovisceral ASMD (Niemann-Pick Disease Type A; NPD-A); SPHINGOMYELIN LIPIDOSIS; SPHINGOMYELINASE DEFICIENCY. Identifiers: Orphanet 77292, MedGen C0268242, MONDO:0009756, OMIM 257200. Disease mechanism: loss of function.

Allele frequency attached by ClinVar (database versions not stated): gnomAD exomes below 0.00001; ExAC 0.00001.
gnomAD v4.1: 1 of 1,612,342 alleles (0.000062%); highest among the groups gnomAD compares: South Asian, 0.0011%; no homozygotes.

Submissions (3):

Natera, Inc.
Classification: Likely pathogenic for Niemann-Pick Disease, Types A/B. Last evaluated: 2024-02-29. Review status: criteria provided, single submitter. Criteria: Natera Variant Classification Schema (03/2026). Collection method: clinical testing. Allele origin: germline.
Comment: The c.319-2A>G variant in SMPD1 is a canonical splice acceptor site variant predicted to affect pre-mRNA splicing, which may result in an abnormal transcript and altered protein product. This variant is expected to result in nonsense mediated decay, truncation, or a dysfunctional protein product. This variant is rare in the general population with a frequency below the threshold expected for the associated phenotype(s). Given the available evidence, this variant is classified as Likely Pathogenic.

Baylor Genetics
Classification: Likely pathogenic for Niemann-Pick disease, type A. Last evaluated: 2023-05-04. Review status: criteria provided, single submitter. Criteria: ACMG Guidelines, 2015. Collection method: clinical testing. Allele origin: unknown.

Labcorp Genetics (formerly Invitae), Labcorp
Classification: Likely pathogenic for Niemann-Pick disease, type B; Niemann-Pick disease, type A. Last evaluated: 2022-01-03. Review status: criteria provided, single submitter. Criteria: Invitae Variant Classification Sherloc (09022015). Collection method: clinical testing. Allele origin: germline.
Comment: This sequence change affects an acceptor splice site in intron 1 of the SMPD1 gene. It is expected to disrupt RNA splicing. Variants that disrupt the donor or acceptor splice site typically lead to a loss of protein function (PMID: 16199547), and loss-of-function variants in SMPD1 are known to be pathogenic (PMID: 12369017, 15221801). This variant is present in population databases (rs779080655, gnomAD 0.003%). This variant has not been reported in the literature in individuals affected with SMPD1-related conditions. Algorithms developed to predict the effect of sequence changes on RNA splicing suggest that this variant may disrupt the consensus splice site. In summary, the currently available evidence indicates that the variant is pathogenic, but additional data are needed to prove that conclusively. Therefore, this variant has been classified as Likely Pathogenic.

Literature cited by the submitters: PubMed 16199547 (cited by Labcorp Genetics (formerly Invitae), Labcorp); PubMed 12369017 (cited by Labcorp Genetics (formerly Invitae), Labcorp); PubMed 15221801 (cited by Labcorp Genetics (formerly Invitae), Labcorp).

NM_000543.5(SMPD1):c.319-2A>G

Gene: SMPD1 (sphingomyelin phosphodiesterase 1; plus strand). Cytogenetic location: 11p15.4.
Variant type: single nucleotide variant.
Coding change: c.319-2A>G on transcript NM_000543.5 (MANE Select); the canonical splice acceptor site of the intron before coding-DNA position 319, A replaced by G.
Molecular consequence: splice acceptor variant. On other transcripts: intron variant (1).
Genome position (GRCh38, 1-based): chr11:6,391,382, A>G. VCF-style: chr11-6391382-A-G. GRCh37 (hg19) VCF-style: chr11-6412612-A-G.
Other names: c.-643-2A>G (NM_001318088.2); c.319-2A>G (NM_001365135.2, NM_001318087.2, NM_000543.4); c.319-5A>G (NM_001007593.3).
Identifiers: ClinVar variation 2071325 (VCV002071325.6), dbSNP rs779080655, ClinGen allele CA5852574.
Genomic context (GRCh38, chr11:6,391,382, plus strand): 5'-GGGGTTGGCCTGGTTCCTCTGCTCTGCCTCTGATTTCTCACCATGCGCTCCTCCCACTGC[A>G]GAAGGAACCCAATGTGGCTCGCGTGGGCTCCGTGGCCATCAAGCTGTGCAATCTGCTGAA-3'